The following is an entry in ClinVar:

NM_006437.4(PARP4):c.3618G>T (p.Leu1206=)

Gene: PARP4 (poly(ADP-ribose) polymerase family member 4; minus strand). Cytogenetic location: 13q12.12.
Variant type: single nucleotide variant.
Coding change: c.3618G>T on transcript NM_006437.4 (MANE Select); coding-DNA position 3618, G replaced by T.
Protein change: p.Leu1206=; no amino-acid change (leucine 1206 retained).
Molecular consequence: synonymous variant.
Genome position (GRCh38, 1-based): chr13:24,441,894, C>A on the plus strand (G>T on the coding strand, the complement: PARP4 is on the minus strand). VCF-style: chr13-24441894-C-A. GRCh37 (hg19) VCF-style: chr13-25016032-C-A.
Identifiers: ClinVar variation 2643686 (VCV002643686.24), dbSNP rs779388399, ClinGen allele CA482951481.

ClinVar aggregate classification (germline): Likely benign (1 of 4 stars; one submission).

Submission:

CeGaT Center for Human Genetics Tuebingen
Classification: Likely benign. Last evaluated: 2022-08-01. Review status: criteria provided, single submitter. Criteria: CeGaT Center For Human Genetics Tuebingen Variant Classification Criteria Version 2. Collection method: clinical testing. Allele origin: germline. Affected: yes. Observed: 1 variant allele.
Comment: PARP4: PM2:Supporting, BP4, BP7